The following is an entry in ClinVar:

NM_198391.3(FLRT3):c.1396G>C (p.Val466Leu)

Genes: FLRT3 (fibronectin leucine rich transmembrane protein 3; minus strand), MACROD2 (mono-ADP ribosylhydrolase 2; plus strand). Cytogenetic location: 20p12.1.
Variant type: single nucleotide variant.
Coding change: c.1396G>C on transcript NM_198391.3 (MANE Select); coding-DNA position 1396, G replaced by C.
Protein change: p.Val466Leu; replaces valine 466 with leucine.
Molecular consequence: missense variant. On other transcripts: intron variant (3).
Genome position (GRCh38, 1-based): chr20:14,326,111, C>G on the plus strand (G>C on the coding strand, the complement: FLRT3 is on the minus strand). VCF-style: chr20-14326111-C-G. GRCh37 (hg19) VCF-style: chr20-14306757-C-G.
Other names: c.1396G>C, p.Val466Leu (NM_013281.4); c.272-167368C>G (NM_001351661.2, NM_001351663.2, NM_080676.6); short protein forms V466L.
Identifiers: ClinVar variation 2507833 (VCV002507833.11), dbSNP rs202177618, ClinGen allele CA9768906.

ClinVar aggregate classification (germline): Conflicting classifications of pathogenicity. Review status: criteria provided, conflicting classifications (1 of 4 stars). 3 submissions from 3 submitters: Uncertain significance (1); Likely benign (1). 1 of the submissions does not count toward it. Last evaluated 2025-03-01.

Conditions:
FLRT3-related disorder. Also called: FLRT3-related condition.

Allele frequency attached by ClinVar (database versions not stated): ExAC 0.00003; ESP Exome Variant Server 0.00008; TOPMed 0.00010; gnomAD 0.00011.
gnomAD v4.1: 338 of 1,613,736 alleles (0.021%); highest among the groups gnomAD compares: Non-Finnish European, 0.026%; no homozygotes.

Submissions (3):

CeGaT Center for Human Genetics Tuebingen
Classification: Likely benign. Last evaluated: 2025-03-01. Review status: criteria provided, single submitter. Criteria: CeGaT Center For Human Genetics Tuebingen Variant Classification Criteria Version 2. Collection method: clinical testing. Allele origin: germline. Affected: yes. Observed: 1 variant allele.
Comment: FLRT3: BP4

Ambry Genetics
Classification: Uncertain significance. Last evaluated: 2023-06-01. Review status: criteria provided, single submitter. Criteria: Ambry Variant Classification Scheme 2023. Collection method: clinical testing. Allele origin: germline.

PreventionGenetics, part of Exact Sciences
Classification: Uncertain significance for FLRT3-related condition. Last evaluated: 2024-02-07. Review status: no assertion criteria provided. Collection method: clinical testing. Allele origin: germline. Not counted in ClinVar's aggregate classification.
Comment: The FLRT3 c.1396G>C variant is predicted to result in the amino acid substitution p.Val466Leu. To our knowledge, this variant has not been reported in the literature. This variant is reported in 0.013% of alleles in individuals of European (Non-Finnish) descent in gnomAD. At this time, the clinical significance of this variant is uncertain due to the absence of conclusive functional and genetic evidence.